The following is an entry in ClinVar:

NM_005236.3(ERCC4):c.985C>T (p.Leu329Phe)

Gene: ERCC4 (ERCC excision repair 4, endonuclease catalytic subunit; plus strand). Cytogenetic location: 16p13.12.
Variant type: single nucleotide variant.
Coding change: c.985C>T on transcript NM_005236.3 (MANE Select); coding-DNA position 985, C replaced by T.
Protein change: p.Leu329Phe; replaces leucine 329 with phenylalanine.
Molecular consequence: missense variant.
Genome position (GRCh38, 1-based): chr16:13,932,168, C>T. VCF-style: chr16-13932168-C-T. GRCh37 (hg19) VCF-style: chr16-14026025-C-T.
Other names: short protein forms L329F.
Identifiers: ClinVar variation 2037103 (VCV002037103.4), dbSNP rs996229104, ClinGen allele CA278467979.

ClinVar aggregate classification (germline): Uncertain significance (1 of 4 stars; one submission).

Conditions:
Fanconi anemia complementation group Q. Identifiers: Orphanet 84, MedGen C3808988, MONDO:0014108, OMIM 615272.
Cockayne syndrome. Identifiers: Orphanet 191, MedGen C0009207, MONDO:0016006.
Xeroderma pigmentosum, group F (XPF). Also called: XERODERMA PIGMENTOSUM VI; XP, GROUP F; XERODERMA PIGMENTOSUM, TYPE F; Xeroderma pigmentosum, type 6; ERCC4-Related Xeroderma Pigmentosum; XERODERMA PIGMENTOSUM, COMPLEMENTATION GROUP F. Identifiers: MedGen C0268140, MONDO:0010215, OMIM 278760.

Allele frequency attached by ClinVar (database versions not stated): TOPMed below 0.00001; gnomAD 0.00001.
gnomAD v4.1: 8 of 1,613,414 alleles (0.0005%); highest among the groups gnomAD compares: Non-Finnish European, 0.00068%; no homozygotes.

Submission:

Labcorp Genetics (formerly Invitae), Labcorp
Classification: Uncertain significance for Fanconi anemia complementation group Q; Xeroderma pigmentosum, group F; Cockayne syndrome. Last evaluated: 2022-05-29. Review status: criteria provided, single submitter. Criteria: Invitae Variant Classification Sherloc (09022015). Collection method: clinical testing. Allele origin: germline.
Comment: This sequence change replaces leucine, which is neutral and non-polar, with phenylalanine, which is neutral and non-polar, at codon 329 of the ERCC4 protein (p.Leu329Phe). This variant is not present in population databases (gnomAD no frequency). This variant has not been reported in the literature in individuals affected with ERCC4-related conditions. Algorithms developed to predict the effect of missense changes on protein structure and function are either unavailable or do not agree on the potential impact of this missense change (SIFT: "Tolerated"; PolyPhen-2: "Probably Damaging"; Align-GVGD: "Class C0"). In summary, the available evidence is currently insufficient to determine the role of this variant in disease. Therefore, it has been classified as a Variant of Uncertain Significance.